The following is an entry in ClinVar:

ClinVar aggregate classification (germline): Uncertain significance (1 of 4 stars; one submission).

Allele frequency attached by ClinVar (database versions not stated): gnomAD exomes 0.00002.
gnomAD v4.1: 21 of 1,592,800 alleles (0.0013%); highest among the groups gnomAD compares: Admixed American, 0.0018%; no homozygotes.

Submission:

Labcorp Genetics (formerly Invitae), Labcorp
Classification: Uncertain significance. Last evaluated: 2021-06-29. Review status: criteria provided, single submitter. Criteria: Invitae Variant Classification Sherloc (09022015). Collection method: clinical testing. Allele origin: germline.
Comment: In summary, the available evidence is currently insufficient to determine the role of this variant in disease. Therefore, it has been classified as a Variant of Uncertain Significance. Algorithms developed to predict the effect of missense changes on protein structure and function are either unavailable or do not agree on the potential impact of this missense change (SIFT: "Deleterious"; PolyPhen-2: "Probably Damaging"; Align-GVGD: "Class C0"). This variant has not been reported in the literature in individuals affected with CAD-related conditions. This variant is not present in population databases (ExAC no frequency). This sequence change replaces valine with methionine at codon 2221 of the CAD protein (p.Val2221Met). The valine residue is moderately conserved and there is a small physicochemical difference between valine and methionine.

NM_004341.5(CAD):c.6661G>A (p.Val2221Met)

Genes: CAD (carbamoyl-phosphate synthetase 2, aspartate transcarbamylase, and dihydroorotase; plus strand), LOC126806172 (CDK7 strongly-dependent group 2 enhancer GRCh37_chr2:27465505-27466704; plus strand). Cytogenetic location: 2p23.3.
Variant type: single nucleotide variant.
Coding change: c.6661G>A on transcript NM_004341.5 (MANE Select); coding-DNA position 6661, G replaced by A.
Protein change: p.Val2221Met; replaces valine 2221 with methionine.
Molecular consequence: missense variant.
Genome position (GRCh38, 1-based): chr2:27,243,501, G>A. VCF-style: chr2-27243501-G-A. GRCh37 (hg19) VCF-style: chr2-27466369-G-A.
Other names: c.6472G>A, p.Val2158Met (NM_001306079.2); short protein forms V2158M, V2221M.
Identifiers: ClinVar variation 1380011 (VCV001380011.6), dbSNP rs1289508132, ClinGen allele CA346225576.